The following is an entry in ClinVar:

NM_014314.4(RIGI):c.1409A>C (p.Lys470Thr)

Gene: RIGI (RNA sensor RIG-I; minus strand). Cytogenetic location: 9p21.1.
Variant type: single nucleotide variant.
Coding change: c.1409A>C on transcript NM_014314.4 (MANE Select); coding-DNA position 1409, A replaced by C.
Protein change: p.Lys470Thr; replaces lysine 470 with threonine.
Molecular consequence: missense variant.
Genome position (GRCh38, 1-based): chr9:32,485,246, T>G on the plus strand (A>C on the coding strand, the complement: RIGI is on the minus strand). VCF-style: chr9-32485246-T-G. GRCh37 (hg19) VCF-style: chr9-32485244-T-G.
Other names: c.1403A>C, p.Lys468Thr (NM_001385907.1); c.1409A>C, p.Lys470Thr (NM_001385909.1); c.968A>C, p.Lys323Thr (NM_001385910.1); c.800A>C, p.Lys267Thr (NM_001385912.1); c.1394A>C, p.Lys465Thr (NM_001385913.1); c.965A>C, p.Lys322Thr (NM_001385914.1); short protein forms K468T, K267T, K465T, K322T, K470T, K323T.
Identifiers: ClinVar variation 4740629 (VCV004740629.1).
Genomic context (GRCh38, chr9:32,485,246, plus strand): 5'-CAGATTCTCTTTGCCAGACTCTCTGTGTCCCTCATCAGCTGAGCTATGATGTATTTAAAT[T>G]TGTCGCTAATCCGTGATTCCACTTTCCTGAAAACTAGAGACGTCAAAAAAAAAAGAAAAA-3'
Protein context (NP_055129.2, residues 460-480): FRKVESRISD[Lys470Thr]FKYIIAQLMR

ClinVar aggregate classification (germline): Uncertain significance (1 of 4 stars; one submission).

Submission:

Labcorp Genetics (formerly Invitae), Labcorp
Classification: Uncertain significance. Last evaluated: 2025-03-18. Review status: criteria provided, single submitter. Criteria: Invitae Variant Classification Sherloc (09022015). Collection method: clinical testing. Allele origin: germline.
Comment: This sequence change replaces lysine, which is basic and polar, with threonine, which is neutral and polar, at codon 470 of the DDX58 protein (p.Lys470Thr). This variant is not present in population databases (gnomAD no frequency). This variant has not been reported in the literature in individuals affected with DDX58-related conditions. Invitae Evidence Modeling of protein sequence and biophysical properties (such as structural, functional, and spatial information, amino acid conservation, physicochemical variation, residue mobility, and thermodynamic stability) indicates that this missense variant is not expected to disrupt DDX58 protein function with a negative predictive value of 80%. In summary, the available evidence is currently insufficient to determine the role of this variant in disease. Therefore, it has been classified as a Variant of Uncertain Significance.